The following is an entry in ClinVar:

NM_000321.3(RB1):c.2128_2132del (p.Gly710fs)

Gene: RB1 (RB transcriptional corepressor 1; plus strand). Cytogenetic location: 13q14.2.
Variant type: Deletion.
Coding change: c.2128_2132del on transcript NM_000321.3 (MANE Select); coding-DNA positions 2128 to 2132, 5 bases deleted (GGCAT; older notation c.2128_2132delGGCAT).
Protein change: p.Gly710fs; shifts the reading frame from glycine 710.
Molecular consequence: frameshift variant.
Genome position (GRCh38, 1-based): chr13:48,463,752-48,463,756, GGCAT deleted; deleting any 5 consecutive bases within chr13:48,463,750-48,463,756 gives the same sequence; the c. name uses the placement nearest the transcript's 3' end. VCF-style (leftmost placement, unchanged base first): chr13-48463749-TATGGC-T. GRCh37 (hg19) VCF-style: chr13-49037885-TATGGC-T.
Other names: c.2128_2132delGGCAT (NM_000321.2); short protein forms G710fs.
Identifiers: ClinVar variation 428721 (VCV000428721.5), dbSNP rs1131690896, ClinGen allele CA645369527.

ClinVar aggregate classification (germline): Pathogenic (1 of 4 stars; one submission).

Conditions:
Hereditary cancer-predisposing syndrome. Also called: Hereditary Cancer Syndrome; Neoplastic Syndromes, Hereditary; Hereditary neoplastic syndrome; Tumor predisposition. Identifiers: Orphanet 140162, MedGen C0027672, MeSH D009386, MONDO:0015356.

Submission:

Ambry Genetics
Classification: Pathogenic for Hereditary cancer-predisposing syndrome. Last evaluated: 2015-10-29. Review status: criteria provided, single submitter. Criteria: Ambry Variant Classification Scheme 2023. Collection method: clinical testing. Allele origin: germline.
Comment: The c.2128_2132delGGCAT pathogenic mutation, located in coding exon 21 of the RB1 gene, results from a deletion of 5 nucleotides from nucleotide positions 2128 to 2132, causing a translational frameshift with a predicted alternate stop codon. Since frameshifts are typically deleterious in nature, this alteration is interpreted as a disease-causing mutation (ACMG Recommendations for Standards for Interpretation and Reporting of Sequence Variations. Revision 2007. Genet Med. 2008;10:294).